The following is an entry in ClinVar:

NM_000135.4(FANCA):c.2738A>G (p.His913Arg)

Gene: FANCA (FA complementation group A; minus strand). Cytogenetic location: 16q24.3.
Variant type: single nucleotide variant.
Coding change: c.2738A>G on transcript NM_000135.4 (MANE Select); coding-DNA position 2738, A replaced by G.
Protein change: p.His913Arg; replaces histidine 913 with arginine.
Molecular consequence: missense variant.
Genome position (GRCh38, 1-based): chr16:89,764,930, T>C on the plus strand (A>G on the coding strand, the complement: FANCA is on the minus strand). VCF-style: chr16-89764930-T-C. GRCh37 (hg19) VCF-style: chr16-89831338-T-C.
Other names: c.2738A>G, p.His913Arg (NM_001286167.3); short protein forms H913R.
Identifiers: ClinVar variation 4532866 (VCV004532866.1).
Genomic context (GRCh38, chr16:89,764,930, plus strand): 5'-GAGAAGGAACGGTCACCTACGTGAACATCTTCCTCTTTCAACACCTCTCGGAAGGTTCTG[T>C]GTGTCCAGAGAGAGAGGGCAGCTCTCTGCCAGTCTGCAGAAGGAAGGTGCAAGGGTCTCC-3'
Protein context (NP_000126.2, residues 903-923): WQRAALSLWT[His913Arg]RTFREVLKEE

ClinVar aggregate classification (germline): Uncertain significance (1 of 4 stars; one submission).

gnomAD v4.1: 2 of 1,614,186 alleles (0.00012%); highest among the groups gnomAD compares: Non-Finnish European, 0.000085%; no homozygotes.

Submission:

Quest Diagnostics Nichols Institute San Juan Capistrano
Classification: Uncertain significance. Last evaluated: 2025-10-09. Review status: criteria provided, single submitter. Criteria: Quest Diagnostics criteria. Collection method: clinical testing. Allele origin: unknown.
Comment: The FANCA c.2738A>G (p.His913Arg) variant has not been reported in individuals with FANCA-related conditions in the published literature. This variant also has not been reported in large, multi-ethnic general populations (Genome Aggregation Database). Analysis of this variant using bioinformatics tools for the prediction of the effect of amino acid changes on protein structure and function yielded predictions that this variant is benign. Based on the available information, we are unable to determine the clinical significance of this variant.